The following is an entry in ClinVar:

ClinVar aggregate classification (germline): Benign/Likely benign. Review status: criteria provided, multiple submitters, no conflicts (2 of 4 stars). 3 submissions from 3 submitters: Benign (1); Likely benign (2). Last evaluated 2025-02-25.

Conditions:
Hereditary cancer-predisposing syndrome. Also called: Hereditary Cancer Syndrome; Neoplastic Syndromes, Hereditary; Tumor predisposition; Hereditary neoplastic syndrome. Identifiers: Orphanet 140162, MedGen C0027672, MeSH D009386, MONDO:0015356.
Breast-ovarian cancer, familial, susceptibility to, 4. Identifiers: Orphanet 145, MedGen C3280345, MONDO:0013669, OMIM 614291.

Submissions (3):

Myriad Genetics, Inc.
Classification: Benign for Breast-ovarian cancer, familial, susceptibility to, 4. Last evaluated: 2025-02-25. Review status: criteria provided, single submitter. Criteria: Myriad Autosomal Dominant, Autosomal Recessive and X-Linked Classification Criteria (2023). Collection method: clinical testing. Allele origin: unknown.
Comment: This variant is considered benign. This variant is a silent/synonymous amino acid change and it is not expected to impact splicing.

Labcorp Genetics (formerly Invitae), Labcorp
Classification: Likely benign for Breast-ovarian cancer, familial, susceptibility to, 4. Last evaluated: 2025-01-06. Review status: criteria provided, single submitter. Criteria: Invitae Variant Classification Sherloc (09022015). Collection method: clinical testing. Allele origin: germline.

Ambry Genetics
Classification: Likely benign for Hereditary cancer-predisposing syndrome. Last evaluated: 2021-03-18. Review status: criteria provided, single submitter. Criteria: Ambry Variant Classification Scheme 2023. Collection method: clinical testing. Allele origin: germline.

NM_002878.4(RAD51D):c.912T>C (p.Gly304=)

Genes: RAD51D (RAD51 paralog D; minus strand), RAD51L3-RFFL (RAD51L3-RFFL readthrough; minus strand). Cytogenetic location: 17q12.
Variant type: single nucleotide variant.
Coding change: c.912T>C on transcript NM_002878.4 (MANE Select); coding-DNA position 912, T replaced by C.
Protein change: p.Gly304=; no amino-acid change (glycine 304 retained).
Molecular consequence: synonymous variant. On other transcripts: non-coding transcript variant (2).
Genome position (GRCh38, 1-based): chr17:35,101,028, A>G on the plus strand (T>C on the coding strand, the complement: RAD51D is on the minus strand). VCF-style: chr17-35101028-A-G. GRCh37 (hg19) VCF-style: chr17-33428047-A-G.
Other names: c.972T>C, p.Gly324= (NM_001142571.2); c.576T>C, p.Gly192= (NM_133629.3).
Identifiers: ClinVar variation 1531912 (VCV001531912.11), dbSNP rs2142409341, ClinGen allele CA499728664.